The following is an entry in ClinVar:

NM_007294.4(BRCA1):c.248T>G (p.Val83Gly)

Gene: BRCA1 (BRCA1 DNA repair associated; minus strand). Cytogenetic location: 17q21.31.
Variant type: single nucleotide variant.
Coding change: c.248T>G on transcript NM_007294.4 (MANE Select); coding-DNA position 248, T replaced by G.
Protein change: p.Val83Gly; replaces valine 83 with glycine.
Molecular consequence: missense variant. On other transcripts: non-coding transcript variant (1).
Genome position (GRCh38, 1-based): chr17:43,104,921, A>C on the plus strand (T>G on the coding strand, the complement: BRCA1 is on the minus strand). VCF-style: chr17-43104921-A-C. GRCh37 (hg19) VCF-style: chr17-41256938-A-C.
Other names: c.38T>G, p.Val13Gly (NM_001407571.1, NM_001407853.1, NM_001407879.1 and 58 more transcripts); c.248T>G, p.Val83Gly (NM_001407581.1, NM_001407582.1, NM_001407583.1 and 168 more transcripts); c.170T>G, p.Val57Gly (NM_001407653.1, NM_001407654.1, NM_001407655.1 and 21 more transcripts); c.107T>G, p.Val36Gly (NM_001407692.1, NM_001407694.1, NM_001407695.1 and 99 more transcripts); c.-134T>G (NM_001407959.1, NM_001407960.1, NM_001407962.1 and 4 more transcripts); c.116T>G, p.Val39Gly (NM_001408451.1); short protein forms V83G, V36G, V13G, V39G, V57G.
Identifiers: ClinVar variation 865324 (VCV000865324.3), dbSNP rs2054686948, ClinGen allele CA10601658.

Conditions:
Breast-ovarian cancer, familial, susceptibility to, 1 (BROVCA1). Also called: BRCA1 Hereditary Breast and Ovarian Cancer; OVARIAN CANCER, SUSCEPTIBILITY TO. Identifiers: Orphanet 145, MedGen C2676676, MONDO:0011450, OMIM 604370. Disease mechanism: loss of function.

Submission:

Brotman Baty Institute, University of Washington
No classification provided (evidence only). Condition: Breast-ovarian cancer, familial 1. Review status: no classification provided. Collection method: in vitro. Allele origin: not applicable. Functional consequence: functionally_normal.
ClinVar note: "not provided" was previously submitted as the classification for the variant. However, the classification appeared to be based only on an observation of functional data so it was converted to no classification on 2025-07-30.